The following is an entry in ClinVar:

ClinVar aggregate classification (germline): Likely benign. Review status: reviewed by expert panel (3 of 4 stars). 5 submissions from 5 submitters: Likely benign (1). 4 of the submissions do not count toward it. Last evaluated 2026-03-24.

Conditions:
Very long chain acyl-CoA dehydrogenase deficiency (ACADVLD). Also called: VLCAD Deficiency; Very Long-Chain Acyl-Coenzyme A Dehydrogenase Deficiency. Identifiers: Orphanet 26793, MedGen C3887523, MONDO:0008723, OMIM 201475.

Allele frequency attached by ClinVar (database versions not stated): gnomAD 0.00011 and 0.00023; ESP Exome Variant Server 0.00015; TOPMed 0.00015; gnomAD exomes 0.00035 and 0.00044; ExAC 0.00044; 1000 Genomes Project 30x 0.00094; 1000 Genomes Project 0.00100.

Submissions (5):

ClinGen ACADVL Variant Curation Expert Panel, ClinGen
Classification: Likely benign for Very long chain acyl-CoA dehydrogenase deficiency. Last evaluated: 2026-03-24. Review status: reviewed by expert panel. Criteria: ClinGen ACADVL ACMG Specifications ACADVL V2.1. Collection method: curation. Allele origin: germline. Inheritance: Autosomal recessive inheritance.
Comment: The c.622+12C>A (NM_000018.4) variant in ACADVL is an intronic variant which occurs in intron 7 and is not predicted by SpliceAI to impact splicing (BP4, BP7). To our knowledge, this variant has not been reported in the literature in any individuals with very long chain acyl CoA dehydrogenase (VLCAD) deficiency. The highest population minor allele frequency in gnomAD v4.1 is 0.002909 in the South Asian population. (PM2_Supporting, BS1, and BA1 are not met). In summary, this variant meets the criteria to be classified as likely benign for autosomal recessive VLCAD deficiency based on the ACMG/AMP criteria applied, as specified by the ClinGen ACADVL Variant Curation Expert Panel: BP4, BP7 (ACADVL VCEP specifications version 2.1.0; approved September 4, 2025).

Labcorp Genetics (formerly Invitae), Labcorp
Classification: Benign for Very long chain acyl-CoA dehydrogenase deficiency. Last evaluated: 2026-01-28. Review status: criteria provided, single submitter. Criteria: Invitae Variant Classification Sherloc (09022015). Collection method: clinical testing. Allele origin: germline. Not counted in ClinVar's aggregate classification.

Blueprint Genetics
Classification: Likely benign. Last evaluated: 2024-10-22. Review status: criteria provided, single submitter. Criteria: ACMG Guidelines, 2015. Collection method: clinical testing. Allele origin: germline. Not counted in ClinVar's aggregate classification.

Wong Mito Lab, Molecular and Human Genetics, Baylor College of Medicine
Classification: Benign for Very long chain acyl-CoA dehydrogenase deficiency. Last evaluated: 2019-11-01. Review status: criteria provided, single submitter. Criteria: ACMG Guidelines, 2015. Collection method: clinical testing. Allele origin: germline. Not counted in ClinVar's aggregate classification.
Comment: The NM_000018.3:c.622+12C>A (NP_000009.1:p.?) [GRCH38: NC_000017.11:g.7221694C>A] variant in ACADVL gene is interpretated to be Benign based on ACMG guidelines (PMID: 25741868). This variant has been reported. This variant meets the following evidence codes reported in the ACMG guidelines: BS1, BS2

GeneDx
Classification: Likely benign. Last evaluated: 2017-01-27. Review status: criteria provided, single submitter. Criteria: GeneDx Variant Classification (06012015). Collection method: clinical testing. Allele origin: germline. Affected: yes. Not counted in ClinVar's aggregate classification.
Comment: This variant is considered likely benign or benign based on one or more of the following criteria: it is a conservative change, it occurs at a poorly conserved position in the protein, it is predicted to be benign by multiple in silico algorithms, and/or has population frequency not consistent with disease.

NM_000018.4(ACADVL):c.622+12C>A

Gene: ACADVL (acyl-CoA dehydrogenase very long chain; plus strand). Cytogenetic location: 17p13.1.
Variant type: single nucleotide variant.
Coding change: c.622+12C>A on transcript NM_000018.4 (MANE Select); 12 bases into the intron after coding-DNA position 622, C replaced by A.
Molecular consequence: intron variant.
Genome position (GRCh38, 1-based): chr17:7,221,694, C>A. VCF-style: chr17-7221694-C-A. GRCh37 (hg19) VCF-style: chr17-7125013-C-A.
Other names: c.691+12C>A (NM_001270447.2); c.394+12C>A (NM_001270448.2); c.556+12C>A (NM_001033859.3).
Identifiers: ClinVar variation 516249 (VCV000516249.14), dbSNP rs374633807, ClinGen allele CA8337772.